The following is an entry in ClinVar:

ClinVar aggregate classification (germline): Likely benign (1 of 4 stars; one submission).

Submission:

CeGaT Center for Human Genetics Tuebingen
Classification: Likely benign. Last evaluated: 2026-09-01. Review status: criteria provided, single submitter. Criteria: CeGaT Center For Human Genetics Tuebingen Variant Classification Criteria Version 2. Collection method: clinical testing. Allele origin: germline. Affected: yes. Observed: 1 variant allele.
Comment: PCSK9: BS1

NM_174936.4(PCSK9):c.*848T>C

Gene: PCSK9 (proprotein convertase subtilisin/kexin type 9; plus strand). Cytogenetic location: 1p32.3.
Variant type: single nucleotide variant.
Coding change: c.*848T>C on transcript NM_174936.4 (MANE Select); 848 bases downstream of the stop codon, T replaced by C.
Molecular consequence: 3 prime UTR variant. On other transcripts: non-coding transcript variant (8).
Genome position (GRCh38, 1-based): chr1:55,064,432, T>C. VCF-style: chr1-55064432-T-C. GRCh37 (hg19) VCF-style: chr1-55530105-T-C.
Other names: c.*848T>C (NM_001407240.1, NM_001407241.1, NM_001407242.1 and 5 more transcripts).
Identifiers: ClinVar variation 5041077 (VCV005041077.1).